The following is an entry in ClinVar:

ClinVar aggregate classification (germline): Uncertain significance. Review status: criteria provided, multiple submitters, no conflicts (2 of 4 stars). 2 submissions from 2 submitters: Uncertain significance (2). Last evaluated 2022-10-21.

Conditions:
Spastic paraplegia. Identifiers: MedGen C0037772, HP:0001258.

Allele frequency attached by ClinVar (database versions not stated): gnomAD 0.00001 and 0.00003; gnomAD exomes 0.00001 and 0.00002; ExAC 0.00002; TOPMed 0.00003.
gnomAD v4.1: 17 of 1,614,102 alleles (0.0011%); highest among the groups gnomAD compares: Admixed American, 0.0033%; no homozygotes.

Submissions (2):

Blueprint Genetics
Classification: Uncertain significance. Last evaluated: 2022-10-21. Review status: criteria provided, single submitter. Criteria: ACMG Guidelines, 2015. Collection method: clinical testing. Allele origin: germline.

Labcorp Genetics (formerly Invitae), Labcorp
Classification: Uncertain significance for Spastic paraplegia. Last evaluated: 2021-08-30. Review status: criteria provided, single submitter. Criteria: Invitae Variant Classification Sherloc (09022015). Collection method: clinical testing. Allele origin: germline.
Comment: This sequence change replaces glutamic acid with glycine at codon 888 of the ZFYVE26 protein (p.Glu888Gly). The glutamic acid residue is highly conserved and there is a moderate physicochemical difference between glutamic acid and glycine. This variant is present in population databases (rs759516757, ExAC 0.009%). This variant has not been reported in the literature in individuals affected with ZFYVE26-related conditions. Algorithms developed to predict the effect of missense changes on protein structure and function (SIFT, PolyPhen-2, Align-GVGD) all suggest that this variant is likely to be disruptive. In summary, the available evidence is currently insufficient to determine the role of this variant in disease. Therefore, it has been classified as a Variant of Uncertain Significance.

NM_015346.4(ZFYVE26):c.2663A>G (p.Glu888Gly)

Gene: ZFYVE26 (zinc finger FYVE-type containing 26; minus strand). Cytogenetic location: 14q24.1.
Variant type: single nucleotide variant.
Coding change: c.2663A>G on transcript NM_015346.4 (MANE Select); coding-DNA position 2663, A replaced by G.
Protein change: p.Glu888Gly; replaces glutamic acid 888 with glycine.
Molecular consequence: missense variant.
Genome position (GRCh38, 1-based): chr14:67,790,664, T>C on the plus strand (A>G on the coding strand, the complement: ZFYVE26 is on the minus strand). VCF-style: chr14-67790664-T-C. GRCh37 (hg19) VCF-style: chr14-68257381-T-C.
Other names: short protein forms E888G.
Identifiers: ClinVar variation 1415684 (VCV001415684.6), dbSNP rs759516757, ClinGen allele CA7240211.